The following is an entry in ClinVar:

ClinVar aggregate classification (germline): Uncertain significance (1 of 4 stars; one submission).

Conditions:
Gastrointestinal stromal tumor. Also called: Gastrointestinal stromal tumor, somatic; Gastrointestinal stroma tumor. Identifiers: Orphanet 44890, MedGen C0238198, MeSH D046152, MONDO:0011719, OMIM 606764, HP:0100723.

Submission:

Labcorp Genetics (formerly Invitae), Labcorp
Classification: Uncertain significance for Gastrointestinal stromal tumor. Last evaluated: 2024-06-26. Review status: criteria provided, single submitter. Criteria: Invitae Variant Classification Sherloc (09022015). Collection method: clinical testing. Allele origin: germline.
Comment: This sequence change replaces glutamic acid, which is acidic and polar, with lysine, which is basic and polar, at codon 228 of the KIT protein (p.Glu228Lys). This variant is not present in population databases (gnomAD no frequency). This variant has not been reported in the literature in individuals affected with KIT-related conditions. Algorithms developed to predict the effect of missense changes on protein structure and function output the following: SIFT: "Not Available"; PolyPhen-2: "Benign"; Align-GVGD: "Not Available". The lysine amino acid residue is found in multiple mammalian species, which suggests that this missense change does not adversely affect protein function. In summary, the available evidence is currently insufficient to determine the role of this variant in disease. Therefore, it has been classified as a Variant of Uncertain Significance.

NM_000222.3(KIT):c.682G>A (p.Glu228Lys)

Gene: KIT (KIT proto-oncogene, receptor tyrosine kinase; plus strand). Cytogenetic location: 4q12.
Variant type: single nucleotide variant.
Coding change: c.682G>A on transcript NM_000222.3 (MANE Select); coding-DNA position 682, G replaced by A.
Protein change: p.Glu228Lys; replaces glutamic acid 228 with lysine.
Molecular consequence: missense variant.
Genome position (GRCh38, 1-based): chr4:54,699,692, G>A. VCF-style: chr4-54699692-G-A. GRCh37 (hg19) VCF-style: chr4-55565858-G-A.
Other names: c.682G>A, p.Glu228Lys (NM_001093772.2, NM_001385284.1, NM_001385285.1 and 4 more transcripts); short protein forms E228K.
Identifiers: ClinVar variation 3680695 (VCV003680695.2).
Genomic context (GRCh38, chr4:54,699,692, plus strand): 5'-TTCAAAGCTGTGCCTGTTGTGTCTGTGTCCAAAGCAAGCTATCTTCTTAGGGAAGGGGAA[G>A]AATTCACAGTGACGTGCACAATAAAAGATGTGTCTAGTTCTGTGTACTCAACGTGGAAAA-3'
Protein context (NP_000213.1, residues 218-238): KASYLLREGE[Glu228Lys]FTVTCTIKDV